The following is an entry in ClinVar:

ClinVar aggregate classification (germline): Uncertain significance (1 of 4 stars; one submission).

Conditions:
Retinoblastoma (RB1). Also called: RETINOBLASTOMA, SOMATIC. Identifiers: Orphanet 790, MedGen C0035335, MeSH D012175, MONDO:0008380, OMIM 180200, HP:0009919. Disease mechanism: loss of function. Inheritance: Both sporadic and heritable forms are tested..

Submission:

Genetic Diagnostic Laboratory, University of Pennsylvania School of Medicine
Classification: Uncertain significance for Retinoblastoma. Last evaluated: 2024-05-20. Review status: criteria provided, single submitter. Criteria: ACMG Guidelines, 2015. Collection method: clinical testing. Allele origin: germline. Affected: yes. Observed: 1 variant allele.
Comment: Case and Pedigree Information: BILATERAL CASES:1, UNILATERAL CASES:0, TOTAL CASES:1, PEDIGREES:1. ACMG Codes Applied:PM1, PM2, PP3

NM_000321.3(RB1):c.1357T>G (p.Tyr453Asp)

Gene: RB1 (RB transcriptional corepressor 1; plus strand). Cytogenetic location: 13q14.2.
Variant type: single nucleotide variant.
Coding change: c.1357T>G on transcript NM_000321.3 (MANE Select); coding-DNA position 1357, T replaced by G.
Protein change: p.Tyr453Asp; replaces tyrosine 453 with aspartic acid.
Molecular consequence: missense variant.
Genome position (GRCh38, 1-based): chr13:48,379,618, T>G. VCF-style: chr13-48379618-T-G. GRCh37 (hg19) VCF-style: chr13-48953754-T-G.
Other names: c.1357T>G, p.Tyr453Asp (NM_001407165.1, NM_001407166.1); short protein forms Y453D.
Identifiers: ClinVar variation 3236976 (VCV003236976.1), dbSNP rs2138140910.